The following is an entry in ClinVar:

NM_000287.4(PEX6):c.445C>T (p.Leu149=)

Gene: PEX6 (peroxisomal biogenesis factor 6; minus strand). Cytogenetic location: 6p21.1.
Variant type: single nucleotide variant.
Coding change: c.445C>T on transcript NM_000287.4 (MANE Select); coding-DNA position 445, C replaced by T.
Protein change: p.Leu149=; no amino-acid change (leucine 149 retained).
Molecular consequence: synonymous variant. On other transcripts: non-coding transcript variant (1).
Genome position (GRCh38, 1-based): chr6:42,978,706, G>A on the plus strand (C>T on the coding strand, the complement: PEX6 is on the minus strand). VCF-style: chr6-42978706-G-A. GRCh37 (hg19) VCF-style: chr6-42946444-G-A.
Other names: c.445C>T, p.Leu149= (NM_001316313.2); c.445C>T (NM_000287.3).
Identifiers: ClinVar variation 1151860 (VCV001151860.11), dbSNP rs2150240046, ClinGen allele CA450366792.

ClinVar aggregate classification (germline): Likely benign. Review status: criteria provided, single submitter (1 of 4 stars). 2 submissions from 2 submitters: Likely benign (1). 1 of the submissions does not count toward it. Last evaluated 2023-12-20.

Conditions:
PEX6-related disorder. Also called: PEX6-related condition; PEX6-related disorders.
Peroxisome biogenesis disorder. Identifiers: Orphanet 79189, MedGen C1832200, MONDO:0019234. Disease mechanism: loss of function.

Submissions (2):

Labcorp Genetics (formerly Invitae), Labcorp
Classification: Likely benign for Peroxisome biogenesis disorder. Last evaluated: 2023-12-20. Review status: criteria provided, single submitter. Criteria: Invitae Variant Classification Sherloc (09022015). Collection method: clinical testing. Allele origin: germline.

PreventionGenetics, part of Exact Sciences
Classification: Likely benign for PEX6-related condition. Last evaluated: 2020-04-27. Review status: no assertion criteria provided. Collection method: clinical testing. Allele origin: germline. Not counted in ClinVar's aggregate classification.
Comment: This variant is classified as likely benign based on ACMG/AMP sequence variant interpretation guidelines (Richards et al. 2015 PMID: 25741868, with internal and published modifications).